The following is an entry in ClinVar:

ClinVar aggregate classification (germline): Conflicting classifications of pathogenicity. Review status: criteria provided, conflicting classifications (1 of 4 stars). 10 submissions from 10 submitters: Uncertain significance (6); Likely benign (3). 1 of the submissions does not count toward it. Last evaluated 2026-02-01.

Conditions:
Inborn genetic diseases. Identifiers: MedGen C0950123, MeSH D030342.
CLN5-related disorder. Also called: CLN5-related condition.
Neuronal ceroid lipofuscinosis. Also called: Neuronal Ceroid Lipofuscinoses. Identifiers: Orphanet 216, Orphanet 79263, MedGen C0027877, MONDO:0016295. Disease mechanism: loss of function.
Neuronal ceroid lipofuscinosis 5 (CLN5). Also called: Neuronal ceroid lipofuscinosis Finnish variant; NEURONAL CEROID LIPOFUSCINOSIS, LATE INFANTILE, FINNISH VARIANT; CEROID LIPOFUSCINOSIS, NEURONAL, 5, VARIABLE AGE AT ONSET; CLN5-Related Neuronal Ceroid-Lipofuscinosis. Identifiers: Orphanet 168491, Orphanet 228360, MedGen C1850442, MONDO:0009745, OMIM 256731.

Allele frequency attached by ClinVar (database versions not stated): ESP Exome Variant Server 0.00028; 1000 Genomes Project 0.00040; 1000 Genomes Project 30x 0.00062; TOPMed 0.00068; ExAC 0.00091; gnomAD 0.00101 and 0.00104.

Submissions (10):

Labcorp Genetics (formerly Invitae), Labcorp
Classification: Likely benign for Neuronal ceroid lipofuscinosis. Last evaluated: 2026-02-01. Review status: criteria provided, single submitter. Criteria: Invitae Variant Classification Sherloc (09022015). Collection method: clinical testing. Allele origin: germline.

GeneDx
Classification: Uncertain significance. Last evaluated: 2025-08-02. Review status: criteria provided, single submitter. Criteria: GeneDx Variant Classification Process June 2021. Collection method: clinical testing. Allele origin: germline. Affected: yes.
Comment: Has not been previously published as pathogenic or benign in association with neurodevelopmental disorders to our knowledge; Initiation codon variant predicted to alter the protein; however, a downstream in-frame Methionine residue could serve as an alternate initiator codon; This variant is associated with the following publications: (PMID: 26990548, 12134079)

Blueprint Genetics
Classification: Likely benign. Last evaluated: 2024-11-08. Review status: criteria provided, single submitter. Criteria: ACMG Guidelines, 2015. Collection method: clinical testing. Allele origin: germline.

PreventionGenetics, part of Exact Sciences
Classification: Uncertain significance for CLN5-related condition. Last evaluated: 2023-08-23. Review status: criteria provided, single submitter. Criteria: ACMG Guidelines, 2015. Collection method: clinical testing. Allele origin: germline.
Comment: The CLN5 c.2T>C variant is predicted to disrupt the translation initiation site (Start loss). To our knowledge, this variant has not been reported in the literature. This variant is reported in 0.31% of alleles in individuals of European (Finnish) descent in gnomAD. At this time, the clinical significance of this variant is uncertain due to the absence of conclusive functional and genetic evidence.

Ambry Genetics
Classification: Likely benign for Inborn genetic diseases. Last evaluated: 2021-10-12. Review status: criteria provided, single submitter. Criteria: Ambry Variant Classification Scheme 2023. Collection method: clinical testing. Allele origin: germline.

Mayo Clinic Laboratories, Mayo Clinic
Classification: Uncertain significance. Last evaluated: 2019-09-02. Review status: criteria provided, single submitter. Criteria: ACMG Guidelines, 2015. Collection method: clinical testing. Allele origin: germline. Observed: 1 variant allele.

Mendelics
Classification: Uncertain significance for Neuronal ceroid lipofuscinosis 1. Last evaluated: 2019-05-28. Review status: criteria provided, single submitter. Criteria: Mendelics Assertion Criteria 2017. Collection method: clinical testing. Allele origin: unknown.

Athena Diagnostics
Classification: Uncertain significance. Last evaluated: 2018-04-04. Review status: criteria provided, single submitter. Criteria: Athena Diagnostics Criteria. Collection method: clinical testing. Allele origin: germline.

Eurofins Ntd Llc (ga)
Classification: Uncertain significance. Last evaluated: 2017-08-21. Review status: criteria provided, single submitter. Criteria: EGL Classification Definitions 2015. Collection method: clinical testing. Allele origin: germline. Observed: 6 variant alleles, 6 heterozygotes.

Natera, Inc.
Classification: Likely benign for Neuronal ceroid lipofuscinosis 5. Last evaluated: 2020-04-16. Review status: no assertion criteria provided. Collection method: clinical testing. Allele origin: germline. Not counted in ClinVar's aggregate classification.

Literature cited by the submitters: PubMed 26990548 (cited by Ambry Genetics and Athena Diagnostics); PubMed 27533158 (cited by Athena Diagnostics).

NM_006493.4(CLN5):c.-146T>C

Gene: CLN5 (CLN5 lysosomal BMP synthase; plus strand). Cytogenetic location: 13q22.3.
Variant type: single nucleotide variant.
Coding change: c.-146T>C on transcript NM_006493.4 (MANE Select); 146 bases upstream of the start codon, T replaced by C.
Genome position (GRCh38, 1-based): chr13:76,991,953, T>C. VCF-style: chr13-76991953-T-C. GRCh37 (hg19) VCF-style: chr13-77566088-T-C.
Other names: p.M1T:ATG>ACG.
Identifiers: ClinVar variation 166884 (VCV000166884.41), dbSNP rs201615354, ClinGen allele CA295605.
Genomic context (GRCh38, chr13:76,991,953, plus strand): 5'-AGCACCTTCCTGGACTGCAAAGTGTGGAAGCCGCCGCGGGCCGGGCGCGGGGAGGTGTCA[T>C]GCGCCGGAACCTGCGCTTGGGGCCAAGCTCTGGAGCTGACGCGCAGGGGCAAGGCGCCCC-3'